The following is an entry in ClinVar:

ClinVar aggregate classification (germline): Conflicting classifications of pathogenicity. Review status: criteria provided, conflicting classifications (1 of 4 stars). 3 submissions from 3 submitters: Uncertain significance (2); Likely benign (1). Last evaluated 2025-03-26.

Conditions:
Hereditary nonpolyposis colorectal neoplasms. Identifiers: MedGen C0009405, MeSH D003123.
Hereditary cancer-predisposing syndrome. Also called: Hereditary neoplastic syndrome; Neoplastic Syndromes, Hereditary; Tumor predisposition; Hereditary Cancer Syndrome. Identifiers: Orphanet 140162, MedGen C0027672, MeSH D009386, MONDO:0015356.

Allele frequency attached by ClinVar (database versions not stated): gnomAD exomes below 0.00001; ExAC 0.00001.
gnomAD v4.1: 2 of 1,614,146 alleles (0.00012%); no homozygotes.

Submissions (3):

Ambry Genetics
Classification: Uncertain significance for Hereditary cancer-predisposing syndrome. Last evaluated: 2025-03-26. Review status: criteria provided, single submitter. Criteria: Ambry Variant Classification Scheme 2023. Collection method: clinical testing. Allele origin: germline.
Comment: The p.G1070D variant (also known as c.3209G>A), located in coding exon 5 of the MSH6 gene, results from a G to A substitution at nucleotide position 3209. The glycine at codon 1070 is replaced by aspartic acid, an amino acid with similar properties. This amino acid position is well conserved in available vertebrate species. In addition, the in silico prediction for this alteration is inconclusive. Based on the available evidence, the clinical significance of this variant remains unclear.

Labcorp Genetics (formerly Invitae), Labcorp
Classification: Likely benign for Hereditary nonpolyposis colorectal neoplasms. Last evaluated: 2024-10-10. Review status: criteria provided, single submitter. Criteria: Invitae Variant Classification Sherloc (09022015). Collection method: clinical testing. Allele origin: germline.

GeneDx
Classification: Uncertain significance. Last evaluated: 2016-11-28. Review status: criteria provided, single submitter. Criteria: GeneDx Variant Classification (06012015). Collection method: clinical testing. Allele origin: germline. Affected: yes.
Comment: This variant is denoted MSH6 c.3209G>A at the cDNA level, p.Gly1070Asp (G1070D) at the protein level, and results in the change of a Glycine to an Aspartic Acid (GGT>GAT). This variant has not, to our knowledge, been published in the literature as pathogenic or benign. MSH6 Gly1070Asp was not observed in approximately 6,500 individuals of European and African American ancestry in the NHLBI Exome Sequencing Project, suggesting it is not a common benign variant in these populations. Since Glycine and Aspartic Acid differ in polarity, charge, size or other properties, this is considered a non-conservative amino acid substitution. MSH6 Gly1070Asp occurs at a position that is not conserved and is located in the within MutS domain (Terui 2013). In silico analyses are inconsistent regarding the effect this variant may have on protein structure and function. Based on currently available evidence, it is unclear whether MSH6 Gly1070Asp is a pathogenic or benign variant. We consider it to be a variant of uncertain significance.

NM_000179.3(MSH6):c.3209G>A (p.Gly1070Asp)

Gene: MSH6 (mutS homolog 6; plus strand). Cytogenetic location: 2p16.3.
Variant type: single nucleotide variant.
Coding change: c.3209G>A on transcript NM_000179.3 (MANE Select); coding-DNA position 3209, G replaced by A.
Protein change: p.Gly1070Asp; replaces glycine 1070 with aspartic acid.
Molecular consequence: missense variant.
Genome position (GRCh38, 1-based): chr2:47,803,456, G>A. VCF-style: chr2-47803456-G-A. GRCh37 (hg19) VCF-style: chr2-48030595-G-A.
Other names: c.2819G>A, p.Gly940Asp (NM_001281492.2); c.2303G>A, p.Gly768Asp (NM_001281493.2, NM_001281494.2); short protein forms G1070D, G768D, G940D.
Identifiers: ClinVar variation 422799 (VCV000422799.15), dbSNP rs751475855, ClinGen allele CA070378.